The following is an entry in ClinVar:

NM_000219.6(KCNE1):c.314C>G (p.Ser105Trp)

Gene: KCNE1 (potassium voltage-gated channel subfamily E regulatory subunit 1; minus strand). Cytogenetic location: 21q22.12.
Variant type: single nucleotide variant.
Coding change: c.314C>G on transcript NM_000219.6 (MANE Select); coding-DNA position 314, C replaced by G.
Protein change: p.Ser105Trp; replaces serine 105 with tryptophan.
Molecular consequence: missense variant.
Genome position (GRCh38, 1-based): chr21:34,449,321, G>C on the plus strand (C>G on the coding strand, the complement: KCNE1 is on the minus strand). VCF-style: chr21-34449321-G-C. GRCh37 (hg19) VCF-style: chr21-35821619-G-C.
Other names: c.314C>G, p.Ser105Trp (NM_001127668.4, NM_001127669.4, NM_001127670.4 and 4 more transcripts); short protein forms S105W.
Identifiers: ClinVar variation 3374613 (VCV003374613.2).

Conditions:
Long QT syndrome 5 (LQT5). Identifiers: Orphanet 101016, Orphanet 768, MedGen C1867904, MONDO:0013372, OMIM 613695.

Submission:

Roden Lab, Vanderbilt University Medical Center
No classification provided (evidence only). Condition: Long QT syndrome 5. Review status: no classification provided. Collection method: in vitro. Allele origin: not applicable. Functional consequence: Effect on ion channel function.
ClinVar note: "not provided" was previously submitted as the classification for the variant. However, the classification appeared to be based only on an observation of functional data so it was converted to no classification on 2025-07-30.